The following is an entry in ClinVar:

ClinVar aggregate classification (germline): Uncertain significance (1 of 4 stars; one submission).

Submission:

Labcorp Genetics (formerly Invitae), Labcorp
Classification: Uncertain significance. Last evaluated: 2023-10-14. Review status: criteria provided, single submitter. Criteria: Invitae Variant Classification Sherloc (09022015). Collection method: clinical testing. Allele origin: unknown.
Comment: A copy number gain of the genomic region encompassing the full coding sequence of the SLC12A6 gene has been identified. The boundaries of this event are unknown as they extend beyond the assayed region for this gene and therefore may encompass additional genes. As the precise location of this event is unknown, it may be in tandem or it may be located elsewhere in the genome. This variant has not been reported in the literature in individuals affected with SLC12A6-related conditions. In summary, the available evidence is currently insufficient to determine the role of this variant in disease. Therefore, it has been classified as a Variant of Uncertain Significance.

NC_000015.9:g.(?_34526082)_(34628881_?)dup

Gene: SLC12A6 (solute carrier family 12 member 6; minus strand). Cytogenetic location: 15q14.
Variant type: Duplication.
Identifiers: ClinVar variation 3243909 (VCV003243909.1).